The following is an entry in ClinVar:

ClinVar aggregate classification (germline): Uncertain significance (1 of 4 stars; one submission).

Conditions:
Hereditary spastic paraplegia. Also called: Familial spastic paraparesis. Identifiers: Orphanet 685, MedGen C0037773, MONDO:0019064. Disease mechanism: loss of function.

gnomAD v4.1: 4 of 1,613,812 alleles (0.00025%); highest among the groups gnomAD compares: Admixed American, 0.0033%; no homozygotes.

Submission:

Labcorp Genetics (formerly Invitae), Labcorp
Classification: Uncertain significance for Hereditary spastic paraplegia. Last evaluated: 2024-11-28. Review status: criteria provided, single submitter. Criteria: Invitae Variant Classification Sherloc (09022015). Collection method: clinical testing. Allele origin: germline.
Comment: This sequence change replaces leucine, which is neutral and non-polar, with phenylalanine, which is neutral and non-polar, at codon 937 of the USP8 protein (p.Leu937Phe). This variant is present in population databases (rs140697398, gnomAD 0.006%). This variant has not been reported in the literature in individuals affected with USP8-related conditions. An algorithm developed to predict the effect of missense changes on protein structure and function (PolyPhen-2) suggests that this variant is likely to be disruptive. In summary, the available evidence is currently insufficient to determine the role of this variant in disease. Therefore, it has been classified as a Variant of Uncertain Significance.

NM_005154.5(USP8):c.2809C>T (p.Leu937Phe)

Genes: USP50 (ubiquitin specific peptidase 50; minus strand), USP8 (ubiquitin specific peptidase 8; plus strand). Cytogenetic location: 15q21.2.
Variant type: single nucleotide variant.
Coding change: c.2809C>T on transcript NM_005154.5 (MANE Select); coding-DNA position 2809, C replaced by T.
Protein change: p.Leu937Phe; replaces leucine 937 with phenylalanine.
Molecular consequence: missense variant.
Genome position (GRCh38, 1-based): chr15:50,495,998, C>T. VCF-style: chr15-50495998-C-T. GRCh37 (hg19) VCF-style: chr15-50788195-C-T.
Other names: c.2809C>T, p.Leu937Phe (NM_001128610.3); c.2491C>T, p.Leu831Phe (NM_001283049.2); short protein forms L831F, L937F.
Identifiers: ClinVar variation 3699197 (VCV003699197.2).